The following is an entry in ClinVar:

NM_020778.5(ALPK3):c.2728C>T (p.Pro910Ser)

Gene: ALPK3 (alpha kinase 3; plus strand). Cytogenetic location: 15q25.3.
Variant type: single nucleotide variant.
Coding change: c.2728C>T on transcript NM_020778.5 (MANE Select); coding-DNA position 2728, C replaced by T.
Protein change: p.Pro910Ser; replaces proline 910 with serine.
Molecular consequence: missense variant.
Genome position (GRCh38, 1-based): chr15:84,857,466, C>T. VCF-style: chr15-84857466-C-T. GRCh37 (hg19) VCF-style: chr15-85400697-C-T.
Other names: short protein forms P910S.
Identifiers: ClinVar variation 1730338 (VCV001730338.7), dbSNP rs770303030, ClinGen allele CA7709482.

ClinVar aggregate classification (germline): Uncertain significance. Review status: criteria provided, multiple submitters, no conflicts (2 of 4 stars). 2 submissions from 2 submitters: Uncertain significance (2). Last evaluated 2026-01-12.

Conditions:
Cardiovascular phenotype. Identifiers: MedGen CN230736.

Allele frequency attached by ClinVar (database versions not stated): gnomAD 0.00004; TOPMed 0.00005; gnomAD exomes 0.00001; ExAC 0.00002.
gnomAD v4.1: 17 of 1,611,714 alleles (0.0011%); highest among the groups gnomAD compares: South Asian, 0.011%; no homozygotes.

Submissions (2):

Labcorp Genetics (formerly Invitae), Labcorp
Classification: Uncertain significance. Last evaluated: 2026-01-12. Review status: criteria provided, single submitter. Criteria: Invitae Variant Classification Sherloc (09022015). Collection method: clinical testing. Allele origin: germline.
Comment: This sequence change replaces proline, which is neutral and non-polar, with serine, which is neutral and polar, at codon 1112 of the ALPK3 protein (p.Pro1112Ser). This variant is present in population databases (rs770303030, gnomAD 0.01%). This variant has not been reported in the literature in individuals affected with ALPK3-related conditions. ClinVar contains an entry for this variant (Variation ID: 1730338). Invitae Evidence Modeling of protein sequence and biophysical properties (such as structural, functional, and spatial information, amino acid conservation, physicochemical variation, residue mobility, and thermodynamic stability) indicates that this missense variant is not expected to disrupt ALPK3 protein function with a negative predictive value of 80%. In summary, the available evidence is currently insufficient to determine the role of this variant in disease. Therefore, it has been classified as a Variant of Uncertain Significance.

Ambry Genetics
Classification: Uncertain significance for Cardiovascular phenotype. Last evaluated: 2023-11-01. Review status: criteria provided, single submitter. Criteria: Ambry Variant Classification Scheme 2023. Collection method: clinical testing. Allele origin: germline.
Comment: The p.P1112S variant (also known as c.3334C>T), located in coding exon 6 of the ALPK3 gene, results from a C to T substitution at nucleotide position 3334. The proline at codon 1112 is replaced by serine, an amino acid with similar properties. This amino acid position is well conserved in available vertebrate species; however, serine is the reference amino acid in other vertebrate species. In addition, this alteration is predicted to be tolerated by in silico analysis. Since supporting evidence is limited at this time, the clinical significance of this alteration remains unclear.